The following is an entry in ClinVar:

ClinVar aggregate classification (germline): Pathogenic (1 of 4 stars; one submission).

Conditions:
Neurofibromatosis, type 1 (NF1). Also called: Neurofibromatosis, type I; VON RECKLINGHAUSEN DISEASE; Peripheral type neurofibromatosis; NEUROFIBROMATOSIS, TYPE I, SOMATIC. Identifiers: Orphanet 636, MedGen C0027831, MONDO:0018975, OMIM 162200. Disease mechanism: loss of function.

Submission:

Labcorp Genetics (formerly Invitae), Labcorp
Classification: Pathogenic for Neurofibromatosis, type 1. Last evaluated: 2019-02-09. Review status: criteria provided, single submitter. Criteria: Invitae Variant Classification Sherloc (09022015). Collection method: clinical testing. Allele origin: germline.
Comment: This sequence change creates a premature translational stop signal (p.Leu2398Asnfs*4) in the NF1 gene. It is expected to result in an absent or disrupted protein product. For these reasons, this variant has been classified as Pathogenic. Loss-of-function variants in NF1 are known to be pathogenic (PMID: 10712197, 23913538). This variant has not been reported in the literature in individuals with NF1-related conditions. This variant is not present in population databases (ExAC no frequency).

Literature cited by the submitters: PubMed 10712197; PubMed 23913538.

NM_001042492.3(NF1):c.7247_7250dup (p.Leu2419fs)

Gene: NF1 (neurofibromin 1; plus strand). Cytogenetic location: 17q11.2.
Variant type: Duplication.
Coding change: c.7247_7250dup on transcript NM_001042492.3 (MANE Select); coding-DNA positions 7247 to 7250, 4 bases duplicated (TACT; older notation c.7247_7250dupTACT).
Protein change: p.Leu2419fs; shifts the reading frame from leucine 2419.
Molecular consequence: frameshift variant.
Genome position (GRCh38, 1-based): chr17:31,349,177-31,349,180, TACT duplicated. VCF-style (leftmost placement, unchanged base first): chr17-31349176-C-CTACT. GRCh37 (hg19) VCF-style: chr17-29676194-C-CTACT.
Other names: c.7184_7187dup, p.Leu2398Asnfs (NM_000267.4); short protein forms L2419fs, L2398fs.
Identifiers: ClinVar variation 864134 (VCV000864134.6), dbSNP rs2070075481, ClinGen allele CA916080699.